The following is an entry in ClinVar:

ClinVar aggregate classification (germline): Pathogenic/Likely pathogenic. Review status: criteria provided, multiple submitters, no conflicts (2 of 4 stars). 2 submissions from 2 submitters: Pathogenic (1); Likely pathogenic (1). Last evaluated 2024-01-23.

Conditions:
Aplastic anemia. Identifiers: Orphanet 182040, Orphanet 88, MedGen C0002874, MONDO:0015909, OMIM 609135, HP:0001915.
Familial hemophagocytic lymphohistiocytosis 2 (FHL2). Also called: PRF1-Related Familial Hemophagocytic Lymphohistiocytosis (PRF1-fHLH). Identifiers: Orphanet 540, MedGen C1863727, MONDO:0011337, OMIM 603553.

gnomAD v4.1: 4 of 1,613,848 alleles (0.00025%); highest among the groups gnomAD compares: Non-Finnish European, 0.00034%; no homozygotes.

Submissions (2):

Baylor Genetics
Classification: Pathogenic for Aplastic anemia. Last evaluated: 2024-01-23. Review status: criteria provided, single submitter. Criteria: ACMG Guidelines, 2015. Collection method: clinical testing. Allele origin: unknown.

Labcorp Genetics (formerly Invitae), Labcorp
Classification: Likely pathogenic for Familial hemophagocytic lymphohistiocytosis 2. Last evaluated: 2024-01-04. Review status: criteria provided, single submitter. Criteria: Invitae Variant Classification Sherloc (09022015). Collection method: clinical testing. Allele origin: germline.
Comment: This sequence change replaces aspartic acid, which is acidic and polar, with tyrosine, which is neutral and polar, at codon 70 of the PRF1 protein (p.Asp70Tyr). This variant is present in population databases (no rsID available, gnomAD 0.0009%). This missense change has been observed in individual(s) with hemophagocytic lymphohistiocytosis (PMID: 14757862, 28936583). In at least one individual the data is consistent with being in trans (on the opposite chromosome) from a pathogenic variant. Advanced modeling of protein sequence and biophysical properties (such as structural, functional, and spatial information, amino acid conservation, physicochemical variation, residue mobility, and thermodynamic stability) has been performed at Invitae for this missense variant, however the output from this modeling did not meet the statistical confidence thresholds required to predict the impact of this variant on PRF1 protein function. Experimental studies have shown that this missense change affects PRF1 function (PMID: 16374518). In summary, the currently available evidence indicates that the variant is pathogenic, but additional data are needed to prove that conclusively. Therefore, this variant has been classified as Likely Pathogenic.

Literature cited by the submitters: PubMed 14757862 (cited by Labcorp Genetics (formerly Invitae), Labcorp); PubMed 28936583 (cited by Labcorp Genetics (formerly Invitae), Labcorp); PubMed 16374518 (cited by Labcorp Genetics (formerly Invitae), Labcorp).

NM_001083116.3(PRF1):c.208G>T (p.Asp70Tyr)

Gene: PRF1 (perforin 1; minus strand). Cytogenetic location: 10q22.1.
Variant type: single nucleotide variant.
Coding change: c.208G>T on transcript NM_001083116.3 (MANE Select); coding-DNA position 208, G replaced by T.
Protein change: p.Asp70Tyr; replaces aspartic acid 70 with tyrosine.
Molecular consequence: missense variant.
Genome position (GRCh38, 1-based): chr10:70,600,695, C>A on the plus strand (G>T on the coding strand, the complement: PRF1 is on the minus strand). VCF-style: chr10-70600695-C-A. GRCh37 (hg19) VCF-style: chr10-72360451-C-A.
Other names: c.208G>T, p.Asp70Tyr (NM_005041.6); short protein forms D70Y.
Identifiers: ClinVar variation 2735414 (VCV002735414.4), dbSNP rs555317258, ClinGen allele CA376959877.